The following is an entry in ClinVar:

NM_001122752.2(SERPINI1):c.1006G>T (p.Ala336Ser)

Gene: SERPINI1 (serpin family I member 1; plus strand). Cytogenetic location: 3q26.1.
Variant type: single nucleotide variant.
Coding change: c.1006G>T on transcript NM_001122752.2 (MANE Select); coding-DNA position 1006, G replaced by T.
Protein change: p.Ala336Ser; replaces alanine 336 with serine.
Molecular consequence: missense variant.
Genome position (GRCh38, 1-based): chr3:167,823,012, G>T. VCF-style: chr3-167823012-G-T. GRCh37 (hg19) VCF-style: chr3-167540800-G-T.
Other names: c.1006G>T, p.Ala336Ser (NM_005025.5); short protein forms A336S.
Identifiers: ClinVar variation 3652323 (VCV003652323.2).

ClinVar aggregate classification (germline): Uncertain significance (1 of 4 stars; one submission).

Conditions:
Familial encephalopathy with neuroserpin inclusion bodies. Also called: ENCEPHALOPATHY, FAMILIAL, WITH COLLINS BODIES. Identifiers: Orphanet 85110, MedGen C1858680, MONDO:0011412, OMIM 604218.

Submission:

Labcorp Genetics (formerly Invitae), Labcorp
Classification: Uncertain significance for Familial encephalopathy with neuroserpin inclusion bodies. Last evaluated: 2024-05-06. Review status: criteria provided, single submitter. Criteria: Invitae Variant Classification Sherloc (09022015). Collection method: clinical testing. Allele origin: germline.
Comment: This sequence change replaces alanine, which is neutral and non-polar, with serine, which is neutral and polar, at codon 336 of the SERPINI1 protein (p.Ala336Ser). This variant is not present in population databases (gnomAD no frequency). This variant has not been reported in the literature in individuals affected with SERPINI1-related conditions. Advanced modeling of protein sequence and biophysical properties (such as structural, functional, and spatial information, amino acid conservation, physicochemical variation, residue mobility, and thermodynamic stability) has been performed at Invitae for this missense variant, however the output from this modeling did not meet the statistical confidence thresholds required to predict the impact of this variant on SERPINI1 protein function. In summary, the available evidence is currently insufficient to determine the role of this variant in disease. Therefore, it has been classified as a Variant of Uncertain Significance.